The following is an entry in ClinVar:

ClinVar aggregate classification (germline): Uncertain significance (1 of 4 stars; one submission).

Submission:

Labcorp Genetics (formerly Invitae), Labcorp
Classification: Uncertain significance. Last evaluated: 2022-10-24. Review status: criteria provided, single submitter. Criteria: Invitae Variant Classification Sherloc (09022015). Collection method: clinical testing. Allele origin: germline.
Comment: This sequence change replaces arginine with tryptophan at codon 3 of the KIZ protein (p.Arg3Trp). There is a moderate physicochemical difference between arginine and tryptophan. This variant is not present in population databases (gnomAD no frequency). In summary, the available evidence is currently insufficient to determine the role of this variant in disease. Therefore, it has been classified as a Variant of Uncertain Significance. Experimental studies and prediction algorithms are not available or were not evaluated, and the functional significance of this variant is currently unknown. ClinVar contains an entry for this variant (Variation ID: 1362774). This variant has not been reported in the literature in individuals affected with KIZ-related conditions.

NM_018474.6(KIZ):c.7C>T (p.Arg3Trp)

Genes: KIZ (kizuna centrosomal protein; plus strand), LOC130065507 (ATAC-STARR-seq lymphoblastoid silent region 12713; plus strand). Cytogenetic location: 20p11.23.
Variant type: single nucleotide variant.
Coding change: c.7C>T on transcript NM_018474.6 (MANE Select); coding-DNA position 7, C replaced by T.
Protein change: p.Arg3Trp; replaces arginine 3 with tryptophan.
Molecular consequence: missense variant. On other transcripts: 5 prime UTR variant (4).
Genome position (GRCh38, 1-based): chr20:21,126,122, C>T. VCF-style: chr20-21126122-C-T. GRCh37 (hg19) VCF-style: chr20-21106763-C-T.
Other names: c.-140C>T (NM_001163022.3, NM_001163023.3, NM_001352435.2); c.86C>T, p.Pro29Leu (NM_001276389.2); c.7C>T, p.Arg3Trp (NM_001352434.2); c.-380C>T (NM_001352436.2); short protein forms P29L, R3W.
Identifiers: ClinVar variation 1362774 (VCV001362774.4), dbSNP rs2031441380, ClinGen allele CA408488060.